The following is an entry in ClinVar:

NM_024105.4(ALG12):c.385A>G (p.Met129Val)

Gene: ALG12 (ALG12 alpha-1,6-mannosyltransferase; minus strand). Cytogenetic location: 22q13.33.
Variant type: single nucleotide variant.
Coding change: c.385A>G on transcript NM_024105.4 (MANE Select); coding-DNA position 385, A replaced by G.
Protein change: p.Met129Val; replaces methionine 129 with valine.
Molecular consequence: missense variant.
Genome position (GRCh38, 1-based): chr22:49,910,518, T>C on the plus strand (A>G on the coding strand, the complement: ALG12 is on the minus strand). VCF-style: chr22-49910518-T-C. GRCh37 (hg19) VCF-style: chr22-50304166-T-C.
Other names: c.385A>G (NM_024105.3); short protein forms M129V.
Identifiers: ClinVar variation 1387945 (VCV001387945.8), dbSNP rs200068410, ClinGen allele CA10300636.
Genomic context (GRCh38, chr22:49,910,518, plus strand): 5'-GCAGTGTCCGCGTGCAGTAGAACATCAGGTGGAACTGCATGGCCGTCACCCAGCAGAACA[T>C]GGTGGCCACCATGGCCCCGAAGTGCCGTCTCACTTCCTTTTGTAACGTCCAGAGTCCAAA-3'
Protein context (NP_077010.1, residues 119-139): RRHFGAMVAT[Met129Val]FCWVTAMQFH

ClinVar aggregate classification (germline): Uncertain significance. Review status: criteria provided, multiple submitters, no conflicts (2 of 4 stars). 2 submissions from 2 submitters: Uncertain significance (2). Last evaluated 2025-10-07.

Conditions:
Inborn genetic diseases. Identifiers: MedGen C0950123, MeSH D030342.
ALG12-congenital disorder of glycosylation (CDG1G). Also called: ALG12-CDG; Congenital disorder of glycosylation, type Ig; CDG Ig. Identifiers: Orphanet 79324, MedGen C2931001, MONDO:0011783, OMIM 607143.

Allele frequency attached by ClinVar (database versions not stated): TOPMed 0.00005; gnomAD 0.00007 and 0.00008; ESP Exome Variant Server 0.00008; 1000 Genomes Project 30x 0.00016; 1000 Genomes Project 0.00020.

Submissions (2):

Ambry Genetics
Classification: Uncertain significance for Inborn genetic diseases. Last evaluated: 2025-10-07. Review status: criteria provided, single submitter. Criteria: Ambry Variant Classification Scheme 2023. Collection method: clinical testing. Allele origin: germline.

Labcorp Genetics (formerly Invitae), Labcorp
Classification: Uncertain significance for ALG12-congenital disorder of glycosylation. Last evaluated: 2024-01-03. Review status: criteria provided, single submitter. Criteria: Invitae Variant Classification Sherloc (09022015). Collection method: clinical testing. Allele origin: germline.
Comment: This sequence change replaces methionine, which is neutral and non-polar, with valine, which is neutral and non-polar, at codon 129 of the ALG12 protein (p.Met129Val). This variant is present in population databases (rs200068410, gnomAD 0.01%). This variant has not been reported in the literature in individuals affected with ALG12-related conditions. ClinVar contains an entry for this variant (Variation ID: 1387945). Advanced modeling of protein sequence and biophysical properties (such as structural, functional, and spatial information, amino acid conservation, physicochemical variation, residue mobility, and thermodynamic stability) performed at Invitae indicates that this missense variant is not expected to disrupt ALG12 protein function with a negative predictive value of 80%. In summary, the available evidence is currently insufficient to determine the role of this variant in disease. Therefore, it has been classified as a Variant of Uncertain Significance.